The following is an entry in ClinVar:

ClinVar aggregate classification (germline): Pathogenic (1 of 4 stars; one submission).

Submission:

Geisinger Autism and Developmental Medicine Institute, Geisinger Health System
Classification: Pathogenic. Last evaluated: 2017-10-31. Review status: criteria provided, single submitter. Criteria: ACMG CNV Guidelines, 2011. Collection method: provider interpretation. Allele origin: de novo.

Single allele

Genes: AKIRIN2 (akirin 2; minus strand), ANKRD6 (ankyrin repeat domain 6; plus strand), BACH2 (BTB domain and CNC homolog 2; minus strand), C6orf163 (chromosome 6 open reading frame 163; plus strand), CASP8AP2 (caspase 8 associated protein 2; plus strand) and 41 more. Cytogenetic location: 6q14.1-15.
Variant type: Deletion.
Identifiers: ClinVar variation 560055 (VCV000560055.3).